The following is an entry in ClinVar:

NM_144997.7(FLCN):c.1376C>A (p.Ser459Tyr)

Gene: FLCN (folliculin; minus strand). Cytogenetic location: 17p11.2.
Variant type: single nucleotide variant.
Coding change: c.1376C>A on transcript NM_144997.7 (MANE Select); coding-DNA position 1376, C replaced by A.
Protein change: p.Ser459Tyr; replaces serine 459 with tyrosine.
Molecular consequence: missense variant.
Genome position (GRCh38, 1-based): chr17:17,215,241, G>T on the plus strand (C>A on the coding strand, the complement: FLCN is on the minus strand). VCF-style: chr17-17215241-G-T. GRCh37 (hg19) VCF-style: chr17-17118555-G-T.
Other names: c.1430C>A, p.Ser477Tyr (NM_001353229.2); c.1376C>A, p.Ser459Tyr (NM_001353230.2, NM_001353231.2); short protein forms S459Y, S477Y.
Identifiers: ClinVar variation 1771164 (VCV001771164.3), dbSNP rs377468280, ClinGen allele CA398531290.
Genomic context (GRCh38, chr17:17,215,241, plus strand): 5'-CCACCTCGGTCTGCAGCTACAGGGCTCCCACTGGTCACCACAAACTCGTACTTGCTGAGA[G>T]ACTGGTCATCCTCACACCCCACAGGGTGGAGGGTGGAACGTGCGGCTGCGTGGACCTCCA-3'
Protein context (NP_659434.2, residues 449-469): LHPVGCEDDQ[Ser459Tyr]LSKYEFVVTS

ClinVar aggregate classification (germline): Uncertain significance (1 of 4 stars; one submission).

Conditions:
Hereditary cancer-predisposing syndrome. Also called: Hereditary Cancer Syndrome; Hereditary neoplastic syndrome; Neoplastic Syndromes, Hereditary; Tumor predisposition. Identifiers: Orphanet 140162, MedGen C0027672, MeSH D009386, MONDO:0015356.

Submission:

Ambry Genetics
Classification: Uncertain significance for Hereditary cancer-predisposing syndrome. Last evaluated: 2025-07-01. Review status: criteria provided, single submitter. Criteria: Ambry Variant Classification Scheme 2023. Collection method: clinical testing. Allele origin: germline.
Comment: The p.S459Y variant (also known as c.1376C>A), located in coding exon 9 of the FLCN gene, results from a C to A substitution at nucleotide position 1376. The serine at codon 459 is replaced by tyrosine, an amino acid with dissimilar properties. This amino acid position is well conserved in available vertebrate species. In addition, the in silico prediction for this alteration is inconclusive. Based on the available evidence, the clinical significance of this variant remains unclear.